The following is an entry in ClinVar:

NM_002693.3(POLG):c.2982-1G>A

Gene: POLG (DNA polymerase gamma, catalytic subunit; minus strand). Cytogenetic location: 15q26.1.
Variant type: single nucleotide variant.
Coding change: c.2982-1G>A on transcript NM_002693.3 (MANE Select); the canonical splice acceptor site of the intron before coding-DNA position 2982, G replaced by A.
Molecular consequence: splice acceptor variant.
Genome position (GRCh38, 1-based): chr15:89,319,351, C>T on the plus strand (G>A on the coding strand, the complement: POLG is on the minus strand). VCF-style: chr15-89319351-C-T. GRCh37 (hg19) VCF-style: chr15-89862582-C-T.
Other names: c.2982-1G>A (NM_001126131.2).
Identifiers: ClinVar variation 2760303 (VCV002760303.3), dbSNP rs1064793493, ClinGen allele CA393751502.
Genomic context (GRCh38, chr15:89,319,351, plus strand): 5'-CTGTCCACTGGGAGGTTCAACTCCCTCACCAGCCACTCGCCCTCATCCGACAGCCGATAC[C>T]TGGGGGCAGTGTTATCACCATCATTCCACGGGAGTGCTTCCTGTGCCACGCTAGTGCCTT-3'

ClinVar aggregate classification (germline): Likely pathogenic (1 of 4 stars; one submission).

Conditions:
Progressive sclerosing poliodystrophy (MTDPS4A). Also called: ALPERS PROGRESSIVE INFANTILE POLIODYSTROPHY; NEURONAL DEGENERATION OF CHILDHOOD WITH LIVER DISEASE, PROGRESSIVE; Alpers Syndrome; ALPERS DIFFUSE DEGENERATION OF CEREBRAL GRAY MATTER WITH HEPATIC CIRRHOSIS; Alpers-Huttenlocher Syndrome; Mitochondrial DNA depletion syndrome 4A (Alpers type). Identifiers: Orphanet 726, MedGen C0205710, MONDO:0008758, OMIM 203700.

Allele frequency attached by ClinVar (database versions not stated): gnomAD exomes below 0.00001.
gnomAD v4.1: 1 of 1,613,876 alleles (0.000062%); highest among the groups gnomAD compares: Non-Finnish European, 0.000085%; no homozygotes.

Submission:

Labcorp Genetics (formerly Invitae), Labcorp
Classification: Likely pathogenic for Progressive sclerosing poliodystrophy. Last evaluated: 2023-09-18. Review status: criteria provided, single submitter. Criteria: Invitae Variant Classification Sherloc (09022015). Collection method: clinical testing. Allele origin: germline.
Comment: In summary, the currently available evidence indicates that the variant is pathogenic, but additional data are needed to prove that conclusively. Therefore, this variant has been classified as Likely Pathogenic. Algorithms developed to predict the effect of sequence changes on RNA splicing suggest that this variant may disrupt the consensus splice site. Disruption of this splice site has been observed in individual(s) with POLG-related conditions (PMID: 29655203). This variant is not present in population databases (gnomAD no frequency). This sequence change affects an acceptor splice site in intron 18 of the POLG gene. It is expected to disrupt RNA splicing. Variants that disrupt the donor or acceptor splice site typically lead to a loss of protein function (PMID: 16199547), and loss-of-function variants in POLG are known to be pathogenic (PMID: 18546365).

Literature cited by the submitters: PubMed 29655203; PubMed 16199547; PubMed 18546365.